The following is an entry in ClinVar:

NM_015272.5(RPGRIP1L):c.1276G>C (p.Glu426Gln)

Gene: RPGRIP1L (RPGRIP1 like; minus strand). Cytogenetic location: 16q12.2.
Variant type: single nucleotide variant.
Coding change: c.1276G>C on transcript NM_015272.5 (MANE Select); coding-DNA position 1276, G replaced by C.
Protein change: p.Glu426Gln; replaces glutamic acid 426 with glutamine.
Molecular consequence: missense variant.
Genome position (GRCh38, 1-based): chr16:53,658,846, C>G on the plus strand (G>C on the coding strand, the complement: RPGRIP1L is on the minus strand). VCF-style: chr16-53658846-C-G. GRCh37 (hg19) VCF-style: chr16-53692758-C-G.
Other names: c.1276G>C, p.Glu426Gln (NM_001127897.4, NM_001308334.3, NM_001330538.2); c.1276G>C (NM_015272.4); short protein forms E426Q.
Identifiers: ClinVar variation 2309702 (VCV002309702.3), dbSNP rs2544310345, ClinGen allele CA395920423.

ClinVar aggregate classification (germline): Uncertain significance. Review status: criteria provided, multiple submitters, no conflicts (2 of 4 stars). 2 submissions from 2 submitters: Uncertain significance (2). Last evaluated 2026-06-16.

Conditions:
RPGRIP1L-related disorder. Also called: RPGRIP1L-related disorders; RPGRIP1L-related condition. Identifiers: MedGen CN239416.
Inborn genetic diseases. Identifiers: MedGen C0950123, MeSH D030342.

Submissions (2):

PreventionGenetics, part of Exact Sciences
Classification: Uncertain significance for RPGRIP1L-related condition. Last evaluated: 2026-06-16. Review status: criteria provided, single submitter. Criteria: ACMG Guidelines, 2015. Collection method: clinical testing. Allele origin: germline.
Comment: The RPGRIP1L c.1276G>C variant is predicted to result in the amino acid substitution p.Glu426Gln. To our knowledge, this variant has not been reported in the literature or in a large population database (gnomAD), indicating this variant is rare. At this time, the clinical significance of this variant is uncertain due to the absence of conclusive functional and genetic evidence.

Ambry Genetics
Classification: Uncertain significance for Inborn genetic diseases. Last evaluated: 2022-08-30. Review status: criteria provided, single submitter. Criteria: Ambry Variant Classification Scheme 2023. Collection method: clinical testing. Allele origin: germline.